The following is an entry in ClinVar:

ClinVar aggregate classification (germline): Conflicting classifications of pathogenicity. Review status: criteria provided, conflicting classifications (1 of 4 stars). 5 submissions from 5 submitters: Uncertain significance (2); Likely benign (3). Last evaluated 2025-10-27.

Conditions:
Classic or attenuated familial adenomatous polyposis. Identifiers: MedGen CN372698, MONDO:0021057.
Familial adenomatous polyposis 1 (FAP1). Also called: FAMILIAL ADENOMATOUS POLYPOSIS 1, ATTENUATED; POLYPOSIS, ADENOMATOUS INTESTINAL. Identifiers: MedGen C2713442, MONDO:0021056, OMIM 175100. Disease mechanism: loss of function.
Hereditary cancer-predisposing syndrome. Also called: Neoplastic Syndromes, Hereditary; Tumor predisposition; Hereditary neoplastic syndrome; Hereditary Cancer Syndrome. Identifiers: Orphanet 140162, MedGen C0027672, MeSH D009386, MONDO:0015356.
Desmoid disease, hereditary (DESMD). Also called: FIBROMATOSIS, FAMILIAL INFILTRATIVE. Identifiers: Orphanet 873, MedGen C1851124, OMIM 135290. Disease mechanism: loss of function.

Allele frequency attached by ClinVar (database versions not stated): TOPMed 0.00004; gnomAD 0.00006.
gnomAD v4.1: 6 of 1,614,052 alleles (0.00037%); highest among the groups gnomAD compares: African/African-American, 0.008%; no homozygotes.

Submissions (5):

Labcorp Genetics (formerly Invitae), Labcorp
Classification: Uncertain significance for Familial adenomatous polyposis 1. Last evaluated: 2025-10-27. Review status: criteria provided, single submitter. Criteria: Invitae Variant Classification Sherloc (09022015). Collection method: clinical testing. Allele origin: germline.
Comment: This sequence change replaces glycine, which is neutral and non-polar, with arginine, which is basic and polar, at codon 907 of the APC protein (p.Gly907Arg). This variant is present in population databases (rs771458366, gnomAD 0.01%). This variant has not been reported in the literature in individuals affected with APC-related conditions. ClinVar contains an entry for this variant (Variation ID: 663857). Invitae Evidence Modeling of protein sequence and biophysical properties (such as structural, functional, and spatial information, amino acid conservation, physicochemical variation, residue mobility, and thermodynamic stability) indicates that this missense variant is not expected to disrupt APC protein function with a negative predictive value of 95%. In summary, the available evidence is currently insufficient to determine the role of this variant in disease. Therefore, it has been classified as a Variant of Uncertain Significance.

Color Diagnostics, LLC DBA Color Health
Classification: Likely benign for Hereditary cancer-predisposing syndrome. Last evaluated: 2024-09-20. Review status: criteria provided, single submitter. Criteria: ACMG Guidelines, 2015. Collection method: clinical testing. Allele origin: germline.

Ambry Genetics
Classification: Likely benign for Hereditary cancer-predisposing syndrome. Last evaluated: 2024-07-29. Review status: criteria provided, single submitter. Criteria: Ambry Variant Classification Scheme 2023. Collection method: clinical testing. Allele origin: germline.

All of Us Research Program, National Institutes of Health
Classification: Likely benign for Classic or attenuated familial adenomatous polyposis. Last evaluated: 2023-11-20. Review status: criteria provided, single submitter. Criteria: ACMG Guidelines, 2015. Collection method: clinical testing. Allele origin: germline. Inheritance: Autosomal dominant inheritance. Observed: 1 variant allele, 1 heterozygote.
Comment: This study involves interpretation of variants in research participants for the purpose of population health screening. Participant phenotype was not available at the time of variant classification. Additional details can be found in publication PMID: 35346344, PMCID: PMC8962531

Laboratorio de Genetica e Diagnostico Molecular, Hospital Israelita Albert Einstein
Classification: Uncertain significance for Desmoid disease, hereditary. Last evaluated: 2022-07-01. Review status: criteria provided, single submitter. Criteria: ACMG Guidelines, 2015. Collection method: clinical testing. Allele origin: germline. Affected: yes. Observed: 1 variant allele.
Comment: ACMG classification criteria: PM2 moderated, BP4 supporting

NM_000038.6(APC):c.2719G>C (p.Gly907Arg)

Gene: APC (APC regulator of Wnt signaling pathway; plus strand). Cytogenetic location: 5q22.2.
Variant type: single nucleotide variant.
Coding change: c.2719G>C on transcript NM_000038.6 (MANE Select); coding-DNA position 2719, G replaced by C.
Protein change: p.Gly907Arg; replaces glycine 907 with arginine.
Molecular consequence: missense variant.
Genome position (GRCh38, 1-based): chr5:112,838,313, G>C. VCF-style: chr5-112838313-G-C. GRCh37 (hg19) VCF-style: chr5-112174010-G-C.
Other names: c.2719G>C, p.Gly907Arg (NM_001127510.3, NM_001354895.2); c.2665G>C, p.Gly889Arg (NM_001127511.3); c.2773G>C, p.Gly925Arg (NM_001354896.2); c.2749G>C, p.Gly917Arg (NM_001354897.2); c.2644G>C, p.Gly882Arg (NM_001354898.2); c.2635G>C, p.Gly879Arg (NM_001354899.2); c.2596G>C, p.Gly866Arg (NM_001354900.2); c.2542G>C, p.Gly848Arg (NM_001354901.2); and 5 more; short protein forms G624R, G781R, G907R, G816R, G882R, G917R, G925R, G806R.
Identifiers: ClinVar variation 663857 (VCV000663857.23), dbSNP rs771458366, ClinGen allele CA033134.